The following is an entry in ClinVar:

ClinVar aggregate classification (germline): Uncertain significance (1 of 4 stars; one submission).

Submission:

Women's Health and Genetics/Laboratory Corporation of America, LabCorp
Classification: Uncertain significance. Last evaluated: 2026-01-20. Review status: criteria provided, single submitter. Criteria: LabCorp Variant Classification Summary - May 2015. Collection method: clinical testing. Allele origin: germline.
Comment: Variant summary: TTN c.20462C>G (p.Ser6821Cys) results in a non-conservative amino acid change in the encoded protein sequence. Algorithms developed to predict the effect of missense changes on protein structure and function are either unavailable or do not agree on the potential impact of this missense change. The variant was absent in 247562 control chromosomes. The available data on variant occurrences in the general population are insufficient to allow any conclusion about variant significance. To our knowledge, no occurrence of c.20462C>G in individuals affected with TTN-related conditions and no experimental evidence demonstrating its impact on protein function have been reported. No submitters have cited clinical-significance assessments for this variant to ClinVar. Based on the evidence outlined above, the variant was classified as uncertain significance.

NM_001267550.2(TTN):c.24194C>G (p.Ser8065Cys)

Gene: TTN (titin; minus strand). Cytogenetic location: 2q31.2.
Variant type: single nucleotide variant.
Coding change: c.24194C>G on transcript NM_001267550.2 (MANE Select); coding-DNA position 24194, C replaced by G.
Protein change: p.Ser8065Cys; replaces serine 8065 with cysteine.
Molecular consequence: missense variant. On other transcripts: intron variant (3).
Genome position (GRCh38, 1-based): chr2:178,719,196, G>C on the plus strand (C>G on the coding strand, the complement: TTN is on the minus strand). VCF-style: chr2-178719196-G-C. GRCh37 (hg19) VCF-style: chr2-179583923-G-C.
Other names: c.23243C>G, p.Ser7748Cys (NM_001256850.1); c.20462C>G, p.Ser6821Cys (NM_133378.4); c.13282+18886C>G (NM_003319.4); c.13858+18886C>G (NM_133437.4); c.13657+18886C>G (NM_133432.3); short protein forms S6821C, S7748C, S8065C.
Identifiers: ClinVar variation 4689212 (VCV004689212.1).